The following is an entry in ClinVar:

NM_000540.3(RYR1):c.7728C>T (p.Ala2576=)

Gene: RYR1 (ryanodine receptor 1; plus strand). Cytogenetic location: 19q13.2.
Variant type: single nucleotide variant.
Coding change: c.7728C>T on transcript NM_000540.3 (MANE Select); coding-DNA position 7728, C replaced by T.
Protein change: p.Ala2576=; no amino-acid change (alanine 2576 retained).
Molecular consequence: synonymous variant.
Genome position (GRCh38, 1-based): chr19:38,502,620, C>T. VCF-style: chr19-38502620-C-T. GRCh37 (hg19) VCF-style: chr19-38993260-C-T.
Other names: c.7728C>T, p.Ala2576= (NM_001042723.2).
Identifiers: ClinVar variation 756585 (VCV000756585.11), dbSNP rs955340412, ClinGen allele CA308112080.

ClinVar aggregate classification (germline): Likely benign. Review status: criteria provided, multiple submitters, no conflicts (2 of 4 stars). 2 submissions from 2 submitters: Likely benign (2). Last evaluated 2025-11-03.

Conditions:
RYR1-related disorder. Also called: RYR1-related condition; RYR1-related disorders. Identifiers: MedGen CN239331.
Malignant hyperthermia, susceptibility to, 1 (MHS1). Also called: Malignant hyperthermia suceptibility 1; RYR1-Related Malignant Hyperthermia Susceptibility; Anesthesia related hyperthermia; Malignant hyperpyrexia; Fulminating hyperpyrexia; Pharmacogenic myopathy. Identifiers: Orphanet 423, MedGen C2930980, MONDO:0007783, OMIM 145600.

Allele frequency attached by ClinVar (database versions not stated): gnomAD exomes 0.00001.
gnomAD v4.1: 11 of 1,613,084 alleles (0.00068%); highest among the groups gnomAD compares: Non-Finnish European, 0.00093%; no homozygotes.

Submissions (2):

Labcorp Genetics (formerly Invitae), Labcorp
Classification: Likely benign for RYR1-related disorder. Last evaluated: 2025-11-03. Review status: criteria provided, single submitter. Criteria: Invitae Variant Classification Sherloc (09022015). Collection method: clinical testing. Allele origin: germline.

All of Us Research Program, National Institutes of Health
Classification: Likely benign for Malignant hyperthermia, susceptibility to, 1. Last evaluated: 2023-10-02. Review status: criteria provided, single submitter. Criteria: ACMG Guidelines, 2015. Collection method: clinical testing. Allele origin: germline. Inheritance: Autosomal dominant inheritance. Observed: 7 variant alleles, 7 heterozygotes.
Comment: This study involves interpretation of variants in research participants for the purpose of population health screening. Participant phenotype was not available at the time of variant classification. Additional details can be found in publication PMID: 35346344, PMCID: PMC8962531